The following is an entry in ClinVar:

NM_001378454.1(ALMS1):c.5952_5954del (p.Ser1987del)

Gene: ALMS1 (ALMS1 centrosome and basal body associated protein; plus strand). Cytogenetic location: 2p13.1.
Variant type: Deletion.
Coding change: c.5952_5954del on transcript NM_001378454.1 (MANE Select); coding-DNA positions 5952 to 5954, 3 bases deleted (GTC; older notation c.5952_5954delGTC).
Protein change: p.Ser1987del; deletes serine 1987.
Molecular consequence: inframe deletion.
Genome position (GRCh38, 1-based): chr2:73,452,479-73,452,481, GTC deleted. VCF-style (leftmost placement, unchanged base first): chr2-73452478-TGTC-T. GRCh37 (hg19) VCF-style: chr2-73679605-TGTC-T.
Other names: c.5955_5957del, p.Ser1988del (NM_015120.4); short protein forms S1987del, S1988del.
Identifiers: ClinVar variation 1993007 (VCV001993007.4), dbSNP rs2466107258, ClinGen allele CA2580067893.

ClinVar aggregate classification (germline): Uncertain significance (1 of 4 stars; one submission).

Conditions:
Alstrom syndrome (ALMS). Identifiers: Orphanet 64, MedGen C0268425, MONDO:0008763, OMIM 203800.

Submission:

Labcorp Genetics (formerly Invitae), Labcorp
Classification: Uncertain significance for Alstrom syndrome. Last evaluated: 2022-05-11. Review status: criteria provided, single submitter. Criteria: Invitae Variant Classification Sherloc (09022015). Collection method: clinical testing. Allele origin: germline.
Comment: In summary, the available evidence is currently insufficient to determine the role of this variant in disease. Therefore, it has been classified as a Variant of Uncertain Significance. Experimental studies and prediction algorithms are not available or were not evaluated, and the functional significance of this variant is currently unknown. This variant has not been reported in the literature in individuals affected with ALMS1-related conditions. This variant is not present in population databases (gnomAD no frequency). This variant, c.5955_5957del, results in the deletion of 1 amino acid(s) of the ALMS1 protein (p.Ser1988del), but otherwise preserves the integrity of the reading frame.